The following is an entry in ClinVar:

ClinVar aggregate classification (germline): Pathogenic/Likely pathogenic. Review status: criteria provided, multiple submitters, no conflicts (2 of 4 stars). 3 submissions from 3 submitters: Pathogenic (1); Likely pathogenic (2). Last evaluated 2026-05-19.

Conditions:
ABCB4-related disorder. Also called: ABCB4-related disorders; ABCB4-related condition.

Allele frequency attached by ClinVar (database versions not stated): gnomAD exomes 0.00001; TOPMed 0.00008; gnomAD 0.00010.

Submissions (3):

PreventionGenetics, part of Exact Sciences
Classification: Likely pathogenic for ABCB4-related condition. Last evaluated: 2026-05-19. Review status: criteria provided, single submitter. Criteria: ACMG Guidelines, 2015. Collection method: clinical testing. Allele origin: germline.
Comment: The ABCB4 c.3370dupT variant is predicted to result in a frameshift and premature protein termination (p.Cys1124Leufs*20). To our knowledge, this variant has not been reported in the literature. This variant is reported in 0.025% of alleles in individuals of Latino descent in gnomAD. Frameshift variants in ABCB4 are expected to be pathogenic (see, for example, Jirsa et al. 2014. PubMed ID: 24914347; Davit-Spraul et al. 2010. PubMed ID: 20422496). This variant is interpreted as likely pathogenic.

Mayo Clinic Laboratories, Mayo Clinic
Classification: Likely pathogenic. Last evaluated: 2024-11-12. Review status: criteria provided, single submitter. Criteria: ACMG Guidelines, 2015. Collection method: clinical testing. Allele origin: germline. Observed: 1 variant allele.
Comment: PM2_supporting, PVS1

Labcorp Genetics (formerly Invitae), Labcorp
Classification: Pathogenic. Last evaluated: 2022-06-13. Review status: criteria provided, single submitter. Criteria: Invitae Variant Classification Sherloc (09022015). Collection method: clinical testing. Allele origin: germline.
Comment: This variant is present in population databases (no rsID available, gnomAD 0.03%). For these reasons, this variant has been classified as Pathogenic. Algorithms developed to predict the effect of sequence changes on RNA splicing suggest that this variant may create or strengthen a splice site. This variant has not been reported in the literature in individuals affected with ABCB4-related conditions. This sequence change creates a premature translational stop signal (p.Cys1124Leufs*20) in the ABCB4 gene. It is expected to result in an absent or disrupted protein product. Loss-of-function variants in ABCB4 are known to be pathogenic (PMID: 17726488, 25755532).

Literature cited by the submitters: PubMed 17726488 (cited by Labcorp Genetics (formerly Invitae), Labcorp); PubMed 25755532 (cited by Labcorp Genetics (formerly Invitae), Labcorp).

NM_000443.4(ABCB4):c.3370dup (p.Cys1124fs)

Gene: ABCB4 (ATP binding cassette subfamily B member 4; minus strand). Cytogenetic location: 7q21.12.
Variant type: Duplication.
Coding change: c.3370dup on transcript NM_000443.4 (MANE Select); coding-DNA position 3370, one base duplicated (T; older notation c.3370dupT).
Protein change: p.Cys1124fs; shifts the reading frame from cysteine 1124.
Molecular consequence: frameshift variant.
Genome position (GRCh38, 1-based): chr7:87,406,404, A duplicated on the plus strand (T on the coding strand, the reverse complement: ABCB4 is on the minus strand). VCF-style (leftmost placement, unchanged base first): chr7-87406403-C-CA. GRCh37 (hg19) VCF-style: chr7-87035719-C-CA.
Other names: p.Cys1124Leufs*20; c.3391dup, p.Cys1131fs (NM_018849.3); c.3229dup, p.Cys1077fs (NM_018850.3); c.3370dupT (NM_000443.3); short protein forms C1124fs, C1131fs, C1077fs.
Identifiers: ClinVar variation 2150294 (VCV002150294.8), dbSNP rs1315110517, ClinGen allele CA576267478.
Genomic context (GRCh38, chr7:87,406,403, plus strand): 5'-ATTTCATCCTGTGATACAACCCGGCTGTTGTCTCCATAGGCAATATTCTCGGCAATGCTG[C>CA]AGTCAAATAGGATAGGCTCCTGAGACACGATTCCGAGTTGAGCTCTGAGCCACTGGACAT-3'